The following is an entry in ClinVar:

ClinVar aggregate classification (germline): Likely benign. Review status: criteria provided, multiple submitters, no conflicts (2 of 4 stars). 2 submissions from 2 submitters: Likely benign (2). Last evaluated 2024-01-17.

Allele frequency attached by ClinVar (database versions not stated): gnomAD exomes below 0.00001; TOPMed 0.00001; gnomAD 0.00002.
gnomAD v4.1: 6 of 1,207,358 alleles (0.0005%); highest among the groups gnomAD compares: Middle Eastern, 0.023%; no homozygotes.

Submissions (2):

Labcorp Genetics (formerly Invitae), Labcorp
Classification: Likely benign. Last evaluated: 2024-01-17. Review status: criteria provided, single submitter. Criteria: Invitae Variant Classification Sherloc (09022015). Collection method: clinical testing. Allele origin: germline.

GeneDx
Classification: Likely benign. Last evaluated: 2017-05-02. Review status: criteria provided, single submitter. Criteria: GeneDx Variant Classification (06012015). Collection method: clinical testing. Allele origin: germline. Affected: yes.
Comment: This variant is considered likely benign or benign based on one or more of the following criteria: it is a conservative change, it occurs at a poorly conserved position in the protein, it is predicted to be benign by multiple in silico algorithms, and/or has population frequency not consistent with disease.

NM_031407.7(HUWE1):c.9981A>G (p.Gln3327=)

Gene: HUWE1 (HECT, UBA and WWE domain containing E3 ubiquitin protein ligase 1; minus strand). Cytogenetic location: Xp11.22.
Variant type: single nucleotide variant.
Coding change: c.9981A>G on transcript NM_031407.7 (MANE Select); coding-DNA position 9981, A replaced by G.
Protein change: p.Gln3327=; no amino-acid change (glutamine 3327 retained).
Molecular consequence: synonymous variant.
Genome position (GRCh38, 1-based): chrX:53,549,013, T>C on the plus strand (A>G on the coding strand, the complement: HUWE1 is on the minus strand). VCF-style: chrX-53549013-T-C. GRCh37 (hg19) VCF-style: chrX-53575974-T-C.
Identifiers: ClinVar variation 508870 (VCV000508870.4), dbSNP rs1372957151, ClinGen allele CA516676068.